The following is an entry in ClinVar:

NM_015559.3(SETBP1):c.1252A>G (p.Arg418Gly)

Gene: SETBP1 (SET binding protein 1; plus strand). Cytogenetic location: 18q12.3.
Variant type: single nucleotide variant.
Coding change: c.1252A>G on transcript NM_015559.3 (MANE Select); coding-DNA position 1252, A replaced by G.
Protein change: p.Arg418Gly; replaces arginine 418 with glycine.
Molecular consequence: missense variant.
Genome position (GRCh38, 1-based): chr18:44,950,592, A>G. VCF-style: chr18-44950592-A-G. GRCh37 (hg19) VCF-style: chr18-42530557-A-G.
Other names: c.1252A>G, p.Arg418Gly (NM_001379141.1, NM_001379142.1, NM_001410862.1); short protein forms R418G.
Identifiers: ClinVar variation 2772431 (VCV002772431.3), dbSNP rs2511466831, ClinGen allele CA402318123.

ClinVar aggregate classification (germline): Uncertain significance (1 of 4 stars; one submission).

Submission:

Labcorp Genetics (formerly Invitae), Labcorp
Classification: Uncertain significance. Last evaluated: 2024-01-29. Review status: criteria provided, single submitter. Criteria: Invitae Variant Classification Sherloc (09022015). Collection method: clinical testing. Allele origin: germline.
Comment: This sequence change replaces arginine, which is basic and polar, with glycine, which is neutral and non-polar, at codon 418 of the SETBP1 protein (p.Arg418Gly). This variant is not present in population databases (gnomAD no frequency). This variant has not been reported in the literature in individuals affected with SETBP1-related conditions. Advanced modeling of protein sequence and biophysical properties (such as structural, functional, and spatial information, amino acid conservation, physicochemical variation, residue mobility, and thermodynamic stability) performed at Invitae indicates that this missense variant is not expected to disrupt SETBP1 protein function with a negative predictive value of 80%. In summary, the available evidence is currently insufficient to determine the role of this variant in disease. Therefore, it has been classified as a Variant of Uncertain Significance.